The following is an entry in ClinVar:

NM_004991.4(MECOM):c.1123C>T (p.Pro375Ser)

Gene: MECOM (MDS1 and EVI1 complex locus; minus strand). Cytogenetic location: 3q26.2.
Variant type: single nucleotide variant.
Coding change: c.1123C>T on transcript NM_004991.4 (MANE Select); coding-DNA position 1123, C replaced by T.
Protein change: p.Pro375Ser; replaces proline 375 with serine.
Molecular consequence: missense variant.
Genome position (GRCh38, 1-based): chr3:169,121,065, G>A on the plus strand (C>T on the coding strand, the complement: MECOM is on the minus strand). VCF-style: chr3-169121065-G-A. GRCh37 (hg19) VCF-style: chr3-168838853-G-A.
Other names: c.754C>T, p.Pro252Ser (NM_001105077.4); c.559C>T, p.Pro187Ser (NM_001105078.4, NM_001164000.2, NM_001205194.2 and 5 more transcripts); c.562C>T, p.Pro188Ser (NM_001163999.2, NM_001366467.2, NM_001366468.2 and 1 more transcripts); c.1123C>T, p.Pro375Ser (NM_001366466.2, NM_001366473.2); short protein forms P187S, P188S, P252S, P375S.
Identifiers: ClinVar variation 3898018 (VCV003898018.1).

ClinVar aggregate classification (germline): Uncertain significance (1 of 4 stars; one submission).

Conditions:
Radioulnar synostosis with amegakaryocytic thrombocytopenia 1 (RUSAT1). Also called: THROMBOCYTOPENIA, CONGENITAL, WITH RADIOULNAR SYNOSTOSIS. Identifiers: Orphanet 71289, MedGen C4551975, MONDO:0024558, OMIM 605432.

Submission:

Neuberg Centre For Genomic Medicine, NCGM
Classification: Uncertain significance for Radioulnar synostosis with amegakaryocytic thrombocytopenia 1. Last evaluated: 2024-02-01. Review status: criteria provided, single submitter. Criteria: ACMG Guidelines, 2015. Collection method: clinical testing. Allele origin: germline. Inheritance: Autosomal dominant inheritance.
Comment: The amino acid Pro at position 375 is changed to a Ser changing protein sequence and it might alter its composition and physico-chemical properties. For these reasons, this variant has been classified as uncertain significance.